The following is an entry in ClinVar:

ClinVar aggregate classification (germline): Uncertain significance (1 of 4 stars; one submission).

Conditions:
Hereditary cancer-predisposing syndrome. Also called: Neoplastic Syndromes, Hereditary; Tumor predisposition; Hereditary neoplastic syndrome; Hereditary Cancer Syndrome. Identifiers: Orphanet 140162, MedGen C0027672, MeSH D009386, MONDO:0015356.

Submission:

Ambry Genetics
Classification: Uncertain significance for Hereditary cancer-predisposing syndrome. Last evaluated: 2023-11-06. Review status: criteria provided, single submitter. Criteria: Ambry Variant Classification Scheme 2023. Collection method: clinical testing. Allele origin: germline.
Comment: The p.M68V variant (also known as c.202A>G), located in coding exon 1 of the GREM1 gene, results from an A to G substitution at nucleotide position 202. The methionine at codon 68 is replaced by valine, an amino acid with highly similar properties. This amino acid position is conserved. In addition, this alteration is predicted to be tolerated by in silico analysis. Since supporting evidence is limited at this time, the clinical significance of this alteration remains unclear.

NM_013372.7(GREM1):c.202A>G (p.Met68Val)

Gene: GREM1 (gremlin 1, DAN family BMP antagonist; plus strand). Cytogenetic location: 15q13.3.
Variant type: single nucleotide variant.
Coding change: c.202A>G on transcript NM_013372.7 (MANE Select); coding-DNA position 202, A replaced by G.
Protein change: p.Met68Val; replaces methionine 68 with valine.
Molecular consequence: missense variant. On other transcripts: intron variant (2).
Genome position (GRCh38, 1-based): chr15:32,730,892, A>G. VCF-style: chr15-32730892-A-G. GRCh37 (hg19) VCF-style: chr15-33023093-A-G.
Other names: c.202A>G, p.Met68Val (NM_001368719.1); c.115-36A>G (NM_001191323.2); c.28-36A>G (NM_001191322.2); short protein forms M68V.
Identifiers: ClinVar variation 3226254 (VCV003226254.1), dbSNP rs2548707614, ClinGen allele CA391557398.